The following is an entry in ClinVar:

NM_032608.7(MYO18B):c.348C>G (p.Asp116Glu)

Gene: MYO18B (myosin XVIIIB; plus strand). Cytogenetic location: 22q12.1.
Variant type: single nucleotide variant.
Coding change: c.348C>G on transcript NM_032608.7 (MANE Select); coding-DNA position 348, C replaced by G.
Protein change: p.Asp116Glu; replaces aspartic acid 116 with glutamic acid.
Molecular consequence: missense variant.
Genome position (GRCh38, 1-based): chr22:25,768,264, C>G. VCF-style: chr22-25768264-C-G. GRCh37 (hg19) VCF-style: chr22-26164231-C-G.
Other names: c.348C>G, p.Asp116Glu (NM_001318245.2); short protein forms D116E.
Identifiers: ClinVar variation 2039896 (VCV002039896.4), dbSNP rs1208692191, ClinGen allele CA411001306.

ClinVar aggregate classification (germline): Uncertain significance (1 of 4 stars; one submission).

gnomAD v4.1: 7 of 1,613,990 alleles (0.00043%); highest among the groups gnomAD compares: South Asian, 0.0077%; no homozygotes.

Submission:

Labcorp Genetics (formerly Invitae), Labcorp
Classification: Uncertain significance. Last evaluated: 2021-12-11. Review status: criteria provided, single submitter. Criteria: Invitae Variant Classification Sherloc (09022015). Collection method: clinical testing. Allele origin: germline.
Comment: This sequence change replaces aspartic acid, which is acidic and polar, with glutamic acid, which is acidic and polar, at codon 116 of the MYO18B protein (p.Asp116Glu). This variant is not present in population databases (gnomAD no frequency). This variant has not been reported in the literature in individuals affected with MYO18B-related conditions. Algorithms developed to predict the effect of missense changes on protein structure and function output the following: SIFT: "Not Available"; PolyPhen-2: "Benign"; Align-GVGD: "Not Available". The glutamic acid amino acid residue is found in multiple mammalian species, which suggests that this missense change does not adversely affect protein function. In summary, the available evidence is currently insufficient to determine the role of this variant in disease. Therefore, it has been classified as a Variant of Uncertain Significance.